The following is an entry in ClinVar:

ClinVar aggregate classification (germline): Uncertain significance. Review status: criteria provided, multiple submitters, no conflicts (2 of 4 stars). 2 submissions from 2 submitters: Uncertain significance (2). Last evaluated 2024-04-04.

Conditions:
Nemaline myopathy 6 (NEM6). Also called: Nemaline myopathy 6, autosomal dominant. Identifiers: Orphanet 171439, MedGen C1836472, MONDO:0012237, OMIM 609273.

Allele frequency attached by ClinVar (database versions not stated): ExAC 0.00001; gnomAD 0.00001; gnomAD exomes 0.00001.
gnomAD v4.1: 18 of 1,584,964 alleles (0.0011%); highest among the groups gnomAD compares: Non-Finnish European, 0.0015%; no homozygotes.

Submissions (2):

Genomic Medicine Center of Excellence, King Faisal Specialist Hospital and Research Centre
Classification: Uncertain significance for Nemaline myopathy 6. Last evaluated: 2024-04-04. Review status: criteria provided, single submitter. Criteria: ACMG Guidelines, 2015. Collection method: clinical testing. Allele origin: germline.

Labcorp Genetics (formerly Invitae), Labcorp
Classification: Uncertain significance for Nemaline myopathy 6. Last evaluated: 2023-05-07. Review status: criteria provided, single submitter. Criteria: Invitae Variant Classification Sherloc (09022015). Collection method: clinical testing. Allele origin: germline.
Comment: In summary, the available evidence is currently insufficient to determine the role of this variant in disease. Therefore, it has been classified as a Variant of Uncertain Significance. Advanced modeling of protein sequence and biophysical properties (such as structural, functional, and spatial information, amino acid conservation, physicochemical variation, residue mobility, and thermodynamic stability) performed at Invitae indicates that this missense variant is expected to disrupt KBTBD13 protein function. ClinVar contains an entry for this variant (Variation ID: 1447945). This variant has not been reported in the literature in individuals affected with KBTBD13-related conditions. The frequency data for this variant in the population databases is considered unreliable, as metrics indicate poor data quality at this position in the gnomAD database. This sequence change replaces tryptophan, which is neutral and slightly polar, with arginine, which is basic and polar, at codon 285 of the KBTBD13 protein (p.Trp285Arg).

NM_001101362.3(KBTBD13):c.853T>C (p.Trp285Arg)

Gene: KBTBD13 (kelch repeat and BTB domain containing 13; plus strand). Cytogenetic location: 15q22.31.
Variant type: single nucleotide variant.
Coding change: c.853T>C on transcript NM_001101362.3 (MANE Select); coding-DNA position 853, T replaced by C.
Protein change: p.Trp285Arg; replaces tryptophan 285 with arginine.
Molecular consequence: missense variant.
Genome position (GRCh38, 1-based): chr15:65,077,668, T>C. VCF-style: chr15-65077668-T-C. GRCh37 (hg19) VCF-style: chr15-65370006-T-C.
Other names: short protein forms W285R.
Identifiers: ClinVar variation 1447945 (VCV001447945.7), dbSNP rs768886246, ClinGen allele CA7614000.